The following is an entry in ClinVar:

ClinVar aggregate classification (germline): Uncertain significance (1 of 4 stars; one submission).

Submissions (2):

GeneDx
Classification: Uncertain significance. Last evaluated: 2024-05-21. Review status: criteria provided, single submitter. Criteria: GeneDx Variant Classification Process June 2021. Collection method: clinical testing. Allele origin: germline. Affected: yes.
Comment: Not observed at significant frequency in large population cohorts (gnomAD); In silico analysis supports that this missense variant has a deleterious effect on protein structure/function; Has not been previously published as pathogenic or benign to our knowledge

Gilbert/Spinner Lab, Children's Hospital of Philadelphia
No classification provided (evidence only). Condition: Alagille syndrome. Review status: no classification provided. Collection method: research. Allele origin: not applicable. Functional consequence: functionally_abnormal. Not counted in ClinVar's aggregate classification.
ClinVar note: "not provided" was previously submitted as the classification for the variant. However, the classification appeared to be based only on an observation of functional data so it was converted to no classification on 2025-07-30.

NM_000214.3(JAG1):c.827G>C (p.Cys276Ser)

Gene: JAG1 (jagged canonical Notch ligand 1; minus strand). Cytogenetic location: 20p12.2.
Variant type: single nucleotide variant.
Coding change: c.827G>C on transcript NM_000214.3 (MANE Select); coding-DNA position 827, G replaced by C.
Protein change: p.Cys276Ser; replaces cysteine 276 with serine.
Molecular consequence: missense variant.
Genome position (GRCh38, 1-based): chr20:10,652,527, C>G on the plus strand (G>C on the coding strand, the complement: JAG1 is on the minus strand). VCF-style: chr20-10652527-C-G. GRCh37 (hg19) VCF-style: chr20-10633175-C-G.
Other names: short protein forms C276S.
Identifiers: ClinVar variation 3381631 (VCV003381631.3).
Genomic context (GRCh38, chr20:10,652,527, plus strand): 5'-CCTTTGTCACAGAGCTGGCCGCCCCAGTTGGTCTCACAGAGGCACTGCCAGGGCTCATTA[C>G]AGATGCCGTGGACGCATCCCGGGTGTGGGATGCACTTATCACAGTACAGGCCTTGCCAGC-3'
Protein context (NP_000205.1, residues 266-286): IPHPGCVHGI[Cys276Ser]NEPWQCLCET